The following is an entry in ClinVar:

NM_001873.4(CPE):c.90C>T (p.Pro30=)

Gene: CPE (carboxypeptidase E; plus strand). Cytogenetic location: 4q32.3.
Variant type: single nucleotide variant.
Coding change: c.90C>T on transcript NM_001873.4 (MANE Select); coding-DNA position 90, C replaced by T.
Protein change: p.Pro30=; no amino-acid change (proline 30 retained).
Molecular consequence: synonymous variant.
Genome position (GRCh38, 1-based): chr4:165,379,311, C>T. VCF-style: chr4-165379311-C-T. GRCh37 (hg19) VCF-style: chr4-166300463-C-T.
Identifiers: ClinVar variation 3353736 (VCV003353736.1).
Genomic context (GRCh38, chr4:165,379,311, plus strand): 5'-GGCTCTGTGCGGGGCACTGGCTGCCTGCGGGTGGCTCCTGGGCGCCGAAGCCCAGGAGCC[C>T]GGGGCGCCCGCGGCGGGCATGAGGCGGCGCCGGCGGCTGCAGCAAGAGGACGGCATCTCC-3'
Protein context (NP_001864.1, residues 20-40): GWLLGAEAQE[Pro30=]GAPAAGMRRR

ClinVar aggregate classification (germline): Likely benign (0 of 4 stars; one submission).

Conditions:
CPE-related disorder. Also called: CPE-related condition.

Submission:

PreventionGenetics, part of Exact Sciences
Classification: Likely benign for CPE-related condition. Last evaluated: 2024-02-28. Review status: no assertion criteria provided. Collection method: clinical testing. Allele origin: germline.
Comment: This variant is classified as likely benign based on ACMG/AMP sequence variant interpretation guidelines (Richards et al. 2015 PMID: 25741868, with internal and published modifications).